The following is an entry in ClinVar:

ClinVar aggregate classification (germline): Likely pathogenic (1 of 4 stars; one submission).

Conditions:
Nephronophthisis 4 (NPHP4). Also called: NEPHRONOPHTHISIS 4, JUVENILE. Identifiers: Orphanet 655, MedGen C1847013, MONDO:0011752, OMIM 606966.
Senior-Loken syndrome 4 (SLSN4). Identifiers: Orphanet 3156, MedGen C1846979, MONDO:0011756, OMIM 606996.

Allele frequency attached by ClinVar (database versions not stated): gnomAD exomes below 0.00001; TOPMed below 0.00001; gnomAD 0.00001.
gnomAD v4.1: 4 of 1,569,912 alleles (0.00025%); highest among the groups gnomAD compares: South Asian, 0.0012%; no homozygotes.

Submission:

Fulgent Genetics
Classification: Likely pathogenic for Nephronophthisis 4; Senior-Loken syndrome 4. Last evaluated: 2021-06-30. Review status: criteria provided, single submitter. Criteria: ACMG Guidelines, 2015. Collection method: clinical testing. Allele origin: unknown.
Comment: This variant has been detected in individual(s) who were sent for testing of Renasight - kidney gene panel.

NM_015102.5(NPHP4):c.1504-1G>A

Gene: NPHP4 (nephrocystin 4; minus strand). Cytogenetic location: 1p36.31.
Variant type: single nucleotide variant.
Coding change: c.1504-1G>A on transcript NM_015102.5 (MANE Select); the canonical splice acceptor site of the intron before coding-DNA position 1504, G replaced by A.
Molecular consequence: splice acceptor variant. On other transcripts: intron variant (2).
Genome position (GRCh38, 1-based): chr1:5,907,223, C>T on the plus strand (G>A on the coding strand, the complement: NPHP4 is on the minus strand). VCF-style: chr1-5907223-C-T. GRCh37 (hg19) VCF-style: chr1-5967283-C-T.
Other names: c.76-1440G>A (NM_001291594.2); c.76-1443G>A (NM_001291593.2).
Identifiers: ClinVar variation 1179061 (VCV001179061.2), dbSNP rs1204924769, ClinGen allele CA338057136.